The following is an entry in ClinVar:

ClinVar aggregate classification (germline): Likely pathogenic (1 of 4 stars; one submission).

Conditions:
Lissencephaly 10. Identifiers: MedGen C5394354, MONDO:0030031, OMIM 618873.

Submission:

Institute of Human Genetics, University of Leipzig Medical Center
Classification: Likely pathogenic for Lissencephaly 10. Last evaluated: 2025-09-25. Review status: criteria provided, single submitter. Criteria: ACMG Guidelines, 2015. Collection method: clinical testing. Allele origin: unknown. Inheritance: Autosomal dominant inheritance. Affected: yes.
Comment: Criteria applied: PS1,PM2

NM_001042475.3(CEP85L):c.232+5G>C

Gene: CEP85L (centrosomal protein 85L; minus strand). Cytogenetic location: 6q22.31.
Variant type: single nucleotide variant.
Coding change: c.232+5G>C on transcript NM_001042475.3 (MANE Select); 5 bases into the intron after coding-DNA position 232, G replaced by C.
Molecular consequence: intron variant.
Genome position (GRCh38, 1-based): chr6:118,632,448, C>G on the plus strand (G>C on the coding strand, the complement: CEP85L is on the minus strand). VCF-style: chr6-118632448-C-G. GRCh37 (hg19) VCF-style: chr6-118953611-C-G.
Other names: c.241+5G>C (NM_001178035.2); c.232+5G>C (NM_206921.3).
Identifiers: ClinVar variation 4291120 (VCV004291120.1).